The following is an entry in ClinVar:

ClinVar aggregate classification (germline): Likely benign. Review status: criteria provided, multiple submitters, no conflicts (2 of 4 stars). 3 submissions from 3 submitters: Likely benign (2). 1 of the submissions does not count toward it. Last evaluated 2026-01-20.

Conditions:
Bleeding disorder, platelet-type, 13, susceptibility to (BDPLT13). Also called: BLEEDING DISORDER, SUSCEPTIBILITY TO, DUE TO DEFECTIVE PLATELET THROMBOXANE A2 RECEPTOR. Identifiers: MedGen C3279614, MONDO:0800447, OMIM 614009.

Allele frequency attached by ClinVar (database versions not stated): ExAC 0.00019; gnomAD 0.00023; TOPMed 0.00026; ESP Exome Variant Server 0.00031.
gnomAD v4.1: 303 of 1,613,056 alleles (0.019%); highest among the groups gnomAD compares: Non-Finnish European, 0.016%; no homozygotes.

Submissions (3):

Labcorp Genetics (formerly Invitae), Labcorp
Classification: Likely benign. Last evaluated: 2026-01-20. Review status: criteria provided, single submitter. Criteria: Invitae Variant Classification Sherloc (09022015). Collection method: clinical testing. Allele origin: germline.

CeGaT Center for Human Genetics Tuebingen
Classification: Likely benign. Last evaluated: 2024-11-01. Review status: criteria provided, single submitter. Criteria: CeGaT Center For Human Genetics Tuebingen Variant Classification Criteria Version 2. Collection method: clinical testing. Allele origin: germline. Affected: yes. Observed: 1 variant allele.
Comment: TBXA2R: BS1

Zotz-Klimas Genetics Lab, MVZ Zotz Klimas
Classification: Uncertain significance for Bleeding disorder, platelet-type, 13, susceptibility to. Last evaluated: 2023-10-30. Review status: no assertion criteria provided. Collection method: clinical testing. Allele origin: germline. Affected: yes. Not counted in ClinVar's aggregate classification.

NM_001060.6(TBXA2R):c.196T>C (p.Phe66Leu)

Gene: TBXA2R (thromboxane A2 receptor; minus strand). Cytogenetic location: 19p13.3.
Variant type: single nucleotide variant.
Coding change: c.196T>C on transcript NM_001060.6 (MANE Select); coding-DNA position 196, T replaced by C.
Protein change: p.Phe66Leu; replaces phenylalanine 66 with leucine.
Molecular consequence: missense variant.
Genome position (GRCh38, 1-based): chr19:3,600,439, A>G on the plus strand (T>C on the coding strand, the complement: TBXA2R is on the minus strand). VCF-style: chr19-3600439-A-G. GRCh37 (hg19) VCF-style: chr19-3600437-A-G.
Other names: c.196T>C, p.Phe66Leu (NM_201636.3); short protein forms F66L.
Identifiers: ClinVar variation 2070577 (VCV002070577.19), dbSNP rs200164976, ClinGen allele CA9080906.
Genomic context (GRCh38, chr19:3,600,439, plus strand): 5'-CCACGATGGTACCGGTCACCAGCAGCCCCAGGAAGTCGGTGAGGACGAGGCCGCAGAGGA[A>G]GGTGAGGAAGGAGGAGCGCGTGTGCGAACCCCCCTGCCGCGCGCCCGCCAGCACGCTCAG-3'
Protein context (NP_001051.1, residues 56-76): GSHTRSSFLT[Phe66Leu]LCGLVLTDFL